The following is an entry in ClinVar:

NM_005689.4(ABCB6):c.629G>A (p.Arg210His)

Gene: ABCB6 (ATP binding cassette subfamily B member 6 (LAN blood group); minus strand). Cytogenetic location: 2q35.
Variant type: single nucleotide variant.
Coding change: c.629G>A on transcript NM_005689.4 (MANE Select); coding-DNA position 629, G replaced by A.
Protein change: p.Arg210His; replaces arginine 210 with histidine.
Molecular consequence: missense variant. On other transcripts: intron variant (1).
Genome position (GRCh38, 1-based): chr2:219,217,728, C>T on the plus strand (G>A on the coding strand, the complement: ABCB6 is on the minus strand). VCF-style: chr2-219217728-C-T. GRCh37 (hg19) VCF-style: chr2-220082450-C-T.
Other names: c.549+397G>A (NM_001349828.2); short protein forms R210H.
Identifiers: ClinVar variation 4563705 (VCV004563705.1).

ClinVar aggregate classification (germline): Uncertain significance (1 of 4 stars; one submission).

Conditions:
Inborn genetic diseases. Identifiers: MedGen C0950123, MeSH D030342.

gnomAD v4.1: 32 of 1,614,006 alleles (0.002%); highest among the groups gnomAD compares: Admixed American, 0.0033%; no homozygotes.

Submission:

Ambry Genetics
Classification: Uncertain significance for Inborn genetic diseases. Last evaluated: 2025-10-18. Review status: criteria provided, single submitter. Criteria: Ambry Variant Classification Scheme 2023. Collection method: clinical testing. Allele origin: germline.
Comment: The c.629G>A (p.R210H) alteration is located in exon 2 (coding exon 2) of the ABCB6 gene. This alteration results from a G to A substitution at nucleotide position 629, causing the arginine (R) at amino acid position 210 to be replaced by a histidine (H). Based on data from gnomAD, the A allele has an overall frequency of 0.004% (11/282550) total alleles studied. The highest observed frequency was 0.014% (1/7204) of Other alleles. Based on insufficient or conflicting evidence, the clinical significance of this alteration remains unclear.